The following is an entry in ClinVar:

NM_024408.4(NOTCH2):c.7337G>T (p.Gly2446Val)

Gene: NOTCH2 (notch receptor 2; minus strand). Cytogenetic location: 1p12.
Variant type: single nucleotide variant.
Coding change: c.7337G>T on transcript NM_024408.4 (MANE Select); coding-DNA position 7337, G replaced by T.
Protein change: p.Gly2446Val; replaces glycine 2446 with valine.
Molecular consequence: missense variant.
Genome position (GRCh38, 1-based): chr1:119,915,385, C>A on the plus strand (G>T on the coding strand, the complement: NOTCH2 is on the minus strand). VCF-style: chr1-119915385-C-A. GRCh37 (hg19) VCF-style: chr1-120458008-C-A.
Other names: short protein forms G2446V.
Identifiers: ClinVar variation 4703228 (VCV004703228.1).
Genomic context (GRCh38, chr1:119,915,385, plus strand): 5'-TTGTTGTGTGGTGGCTCAGACATGTGTGTCCCAGGTCCCCGCTGACCTCCTCCAGCACCC[C>A]CAGGGGTAGGGCTGGTGGTCACATCTGACCAGTCAGAAGCAGAGTGGGGTGATGAACTTG-3'
Protein context (NP_077719.2, residues 2436-2456): WSDVTTSPTP[Gly2446Val]GAGGGQRGPG

ClinVar aggregate classification (germline): Uncertain significance (1 of 4 stars; one submission).

Conditions:
Hajdu-Cheney syndrome (HJCYS). Also called: SERPENTINE FIBULA-POLYCYSTIC KIDNEY SYNDROME; Acroosteolysis dominant type; ACROOSTEOLYSIS WITH OSTEOPOROSIS AND CHANGES IN SKULL AND MANDIBLE. Identifiers: Orphanet 955, MedGen C0917715, MONDO:0007057, OMIM 102500.

gnomAD v4.1: 16 of 1,614,060 alleles (0.00099%); highest among the groups gnomAD compares: Non-Finnish European, 0.0013%; no homozygotes.

Submission:

Labcorp Genetics (formerly Invitae), Labcorp
Classification: Uncertain significance for Hajdu-Cheney syndrome. Last evaluated: 2025-03-13. Review status: criteria provided, single submitter. Criteria: Invitae Variant Classification Sherloc (09022015). Collection method: clinical testing. Allele origin: germline.
Comment: This sequence change replaces glycine, which is neutral and non-polar, with valine, which is neutral and non-polar, at codon 2446 of the NOTCH2 protein (p.Gly2446Val). This variant is present in population databases (rs375049462, gnomAD 0.002%). This variant has not been reported in the literature in individuals affected with NOTCH2-related conditions. Invitae Evidence Modeling of protein sequence and biophysical properties (such as structural, functional, and spatial information, amino acid conservation, physicochemical variation, residue mobility, and thermodynamic stability) indicates that this missense variant is not expected to disrupt NOTCH2 protein function with a negative predictive value of 80%. In summary, the available evidence is currently insufficient to determine the role of this variant in disease. Therefore, it has been classified as a Variant of Uncertain Significance.